The following is an entry in ClinVar:

NM_005751.5(AKAP9):c.715C>T (p.Gln239Ter)

Gene: AKAP9 (A-kinase anchoring protein 9; plus strand). Cytogenetic location: 7q21.2.
Variant type: single nucleotide variant.
Coding change: c.715C>T on transcript NM_005751.5 (MANE Select); coding-DNA position 715, C replaced by T.
Protein change: p.Gln239Ter; replaces glutamine 239 with a stop codon.
Molecular consequence: nonsense.
Genome position (GRCh38, 1-based): chr7:91,994,759, C>T. VCF-style: chr7-91994759-C-T. GRCh37 (hg19) VCF-style: chr7-91624073-C-T.
Other names: c.715C>T, p.Gln239Ter (NM_147185.3); short protein forms Q239*.
Identifiers: ClinVar variation 3604925 (VCV003604925.2).

ClinVar aggregate classification (germline): Uncertain significance (1 of 4 stars; one submission).

Conditions:
Long QT syndrome (LQTS). Identifiers: MedGen C0023976, MeSH D008133, MONDO:0002442. Disease mechanism: loss of function. Inheritance: Various modes of inheritance.

Submission:

Labcorp Genetics (formerly Invitae), Labcorp
Classification: Uncertain significance for Long QT syndrome. Last evaluated: 2024-05-01. Review status: criteria provided, single submitter. Criteria: Invitae Variant Classification Sherloc (09022015). Collection method: clinical testing. Allele origin: germline.
Comment: This sequence change creates a premature translational stop signal (p.Gln239*) in the AKAP9 gene. It is expected to result in an absent or disrupted protein product. However, the current clinical and genetic evidence is not sufficient to establish whether loss-of-function variants in AKAP9 cause disease. This variant is not present in population databases (gnomAD no frequency). This variant has not been reported in the literature in individuals affected with AKAP9-related conditions. Experimental studies and prediction algorithms are not available or were not evaluated, and the functional significance of this variant is currently unknown. In summary, the available evidence is currently insufficient to determine the role of this variant in disease. Therefore, it has been classified as a Variant of Uncertain Significance.